The following is an entry in ClinVar:

ClinVar aggregate classification (germline): Uncertain significance (1 of 4 stars; one submission).

Submission:

Labcorp Genetics (formerly Invitae), Labcorp
Classification: Uncertain significance. Last evaluated: 2025-07-13. Review status: criteria provided, single submitter. Criteria: Invitae Variant Classification Sherloc (09022015). Collection method: clinical testing. Allele origin: germline.
Comment: This sequence change replaces serine, which is neutral and polar, with proline, which is neutral and non-polar, at codon 84 of the TK2 protein (p.Ser84Pro). This variant is not present in population databases (gnomAD no frequency). This variant has not been reported in the literature in individuals affected with TK2-related conditions. Invitae Evidence Modeling of protein sequence and biophysical properties (such as structural, functional, and spatial information, amino acid conservation, physicochemical variation, residue mobility, and thermodynamic stability) indicates that this missense variant is not expected to disrupt TK2 protein function with a negative predictive value of 95%. In summary, the available evidence is currently insufficient to determine the role of this variant in disease. Therefore, it has been classified as a Variant of Uncertain Significance.

NM_004614.5(TK2):c.250T>C (p.Ser84Pro)

Gene: TK2 (thymidine kinase 2; minus strand). Cytogenetic location: 16q21.
Variant type: single nucleotide variant.
Coding change: c.250T>C on transcript NM_004614.5 (MANE Select); coding-DNA position 250, T replaced by C.
Protein change: p.Ser84Pro; replaces serine 84 with proline.
Molecular consequence: missense variant. On other transcripts: 5 prime UTR variant (1), non-coding transcript variant (1), intron variant (1).
Genome position (GRCh38, 1-based): chr16:66,536,999, A>G on the plus strand (T>C on the coding strand, the complement: TK2 is on the minus strand). VCF-style: chr16-66536999-A-G. GRCh37 (hg19) VCF-style: chr16-66570902-A-G.
Other names: c.157T>C, p.Ser53Pro (NM_001172643.1, NM_001271935.1); c.175T>C, p.Ser59Pro (NM_001172644.2); c.103T>C, p.Ser35Pro (NM_001271934.2); c.-42T>C (NM_001272050.2); c.231+4880T>C (NM_001172645.2); short protein forms S35P, S53P, S59P, S84P.
Identifiers: ClinVar variation 4810136 (VCV004810136.1).
Genomic context (GRCh38, chr16:66,536,999, plus strand): 5'-TTCATGCAACCAACAACCCACTCACCAGAGGATTGTGGCCACGGACATTTCTCCACTTGG[A>G]CACAGGCTCCGTTAACACCTGGAAGGAAAGAAAACATCAGAGCTACTGTTTCTCTGTGCT-3'
Protein context (NP_004605.4, residues 74-94): TDVEVLTEPV[Ser84Pro]KWRNVRGHNP